The following is an entry in ClinVar:

NM_001009944.3(PKD1):c.6493C>T (p.Gln2165Ter)

Gene: PKD1 (polycystin 1, transient receptor potential channel interacting; minus strand). Cytogenetic location: 16p13.3.
Variant type: single nucleotide variant.
Coding change: c.6493C>T on transcript NM_001009944.3 (MANE Select); coding-DNA position 6493, C replaced by T.
Protein change: p.Gln2165Ter; replaces glutamine 2165 with a stop codon.
Molecular consequence: nonsense.
Genome position (GRCh38, 1-based): chr16:2,108,674, G>A on the plus strand (C>T on the coding strand, the complement: PKD1 is on the minus strand). VCF-style: chr16-2108674-G-A. GRCh37 (hg19) VCF-style: chr16-2158675-G-A.
Other names: c.6493C>T, p.Gln2165Ter (NM_000296.4); short protein forms Q2165*.
Identifiers: ClinVar variation 873331 (VCV000873331.4), dbSNP rs1485307916, ClinGen allele CA394373453.

ClinVar aggregate classification (germline): Pathogenic. Review status: criteria provided, multiple submitters, no conflicts (2 of 4 stars). 3 submissions from 3 submitters: Pathogenic (3). Last evaluated 2022-03-01.

Conditions:
Polycystic kidney disease, adult type (PKD1). Also called: POLYCYSTIC KIDNEY DISEASE 1 WITH OR WITHOUT POLYCYSTIC LIVER DISEASE; Polycystic Kidney Disease 1, Autosomal Dominant; Polycystic kidney disease 1; Polycystic kidney disease 1, severe; Polycystic Kidney, Autosomal Dominant; POLYCYSTIC KIDNEY DISEASE, ADULT, TYPE I. Identifiers: MedGen C3149841, MONDO:0008263, OMIM 173900.

Submissions (3):

Fulgent Genetics
Classification: Pathogenic for Polycystic kidney disease, adult type. Last evaluated: 2022-03-01. Review status: criteria provided, single submitter. Criteria: ACMG Guidelines, 2015. Collection method: clinical testing. Allele origin: unknown.

Cavalleri Lab, Royal College of Surgeons in Ireland
Classification: Pathogenic for Polycystic kidney disease, adult type. Last evaluated: 2020-02-05. Review status: criteria provided, single submitter. Criteria: ACMG Guidelines, 2015. Collection method: research. Allele origin: unknown. Inheritance: Autosomal dominant inheritance. Affected: yes.
Comment: PVS1, PM2, PP4

Molecular Biology Laboratory, Fundació Puigvert
Classification: Pathogenic for Polycystic kidney disease, adult type. Last evaluated: 2020-02-01. Review status: criteria provided, single submitter. Criteria: ACMG Guidelines, 2015. Collection method: research. Allele origin: maternal. Affected: yes. Study: KidneyPanel_2020.

Literature cited by the submitters: PubMed 33532864 (cited by Molecular Biology Laboratory, Fundació Puigvert).